The following is an entry in ClinVar:

NM_000384.3(APOB):c.12945A>C (p.Lys4315Asn)

Gene: APOB (apolipoprotein B; minus strand). Cytogenetic location: 2p24.1.
Variant type: single nucleotide variant.
Coding change: c.12945A>C on transcript NM_000384.3 (MANE Select); coding-DNA position 12945, A replaced by C.
Protein change: p.Lys4315Asn; replaces lysine 4315 with asparagine.
Molecular consequence: missense variant.
Genome position (GRCh38, 1-based): chr2:21,002,477, T>G on the plus strand (A>C on the coding strand, the complement: APOB is on the minus strand). VCF-style: chr2-21002477-T-G. GRCh37 (hg19) VCF-style: chr2-21225349-T-G.
Other names: short protein forms K4315N.
Identifiers: ClinVar variation 1311565 (VCV001311565.3), dbSNP rs1428180002, ClinGen allele CA345970130.

ClinVar aggregate classification (germline): Uncertain significance. Review status: criteria provided, multiple submitters, no conflicts (2 of 4 stars). 2 submissions from 2 submitters: Uncertain significance (2). Last evaluated 2024-05-30.

Conditions:
Cardiovascular phenotype. Identifiers: MedGen CN230736.

Allele frequency attached by ClinVar (database versions not stated): TOPMed 0.00002.

Submissions (2):

Ambry Genetics
Classification: Uncertain significance for Cardiovascular phenotype. Last evaluated: 2024-05-30. Review status: criteria provided, single submitter. Criteria: Ambry Variant Classification Scheme 2023. Collection method: clinical testing. Allele origin: germline.
Comment: The p.K4315N variant (also known as c.12945A>C), located in coding exon 29 of the APOB gene, results from an A to C substitution at nucleotide position 12945. The lysine at codon 4315 is replaced by asparagine, an amino acid with similar properties. This amino acid position is conserved. In addition, this alteration is predicted to be tolerated by in silico analysis. Based on the available evidence, the clinical significance of this variant remains unclear.

GeneDx
Classification: Uncertain significance. Last evaluated: 2020-01-03. Review status: criteria provided, single submitter. Criteria: GeneDx Variant Classification Process June 2021. Collection method: clinical testing. Allele origin: germline. Affected: yes.
Comment: Has not been previously published as pathogenic or benign to our knowledge; Not observed in large population cohorts (Lek et al., 2016); In silico analysis, which includes protein predictors and evolutionary conservation, supports that this variant does not alter protein structure/function